The following is an entry in ClinVar:

ClinVar aggregate classification (germline): Conflicting classifications of pathogenicity. Review status: criteria provided, conflicting classifications (1 of 4 stars). 3 submissions from 3 submitters: Likely pathogenic (1); Uncertain significance (2). Last evaluated 2024-04-22.

Conditions:
DARS2-related disorder. Also called: DARS2-related condition.

Submissions (3):

Labcorp Genetics (formerly Invitae), Labcorp
Classification: Uncertain significance. Last evaluated: 2024-04-22. Review status: criteria provided, single submitter. Criteria: Invitae Variant Classification Sherloc (09022015). Collection method: clinical testing. Allele origin: germline.
Comment: This sequence change falls in intron 2 of the DARS2 gene. It does not directly change the encoded amino acid sequence of the DARS2 protein. Information on the frequency of this variant in the gnomAD database is not available, as this variant may be reported differently in the database. This variant has been observed in individual(s) with leukoencephalopathy with brain stem and spinal cord involvement and lactate elevation (PMID: 24566671). ClinVar contains an entry for this variant (Variation ID: 2499836). Experimental studies and prediction algorithms are not available or were not evaluated, and the effect of this variant on mRNA splicing is currently unknown. In summary, the available evidence is currently insufficient to determine the role of this variant in disease. Therefore, it has been classified as a Variant of Uncertain Significance.

Blueprint Genetics
Classification: Likely pathogenic for DARS2-related disorders. Last evaluated: 2023-12-18. Review status: criteria provided, single submitter. Criteria: ACMG Guidelines, 2015. Collection method: clinical testing. Allele origin: germline. Affected: yes. Observed: 1 variant allele.

GeneDx
Classification: Uncertain significance. Last evaluated: 2023-04-20. Review status: criteria provided, single submitter. Criteria: GeneDx Variant Classification Process June 2021. Collection method: clinical testing. Allele origin: germline. Affected: yes.
Comment: Reported in an individual with leukoencephalopathy with brainstem and spinal cord involvement who was also found to harbor a second variant in the DARS2 gene (Van Berge et al., 2014); Reported in an individual with leukoencephalopathy with brainstem and spinal cord involvement in which a second variant in DARS2 was not described (Scheper et al., 2007); Not observed at significant frequency in large population cohorts (gnomAD); Some in-silico analyses predict this variant to reduce the natural splice acceptor site of intron 2, however, in the absence of RNA/functional studies, the actual effect of this sequence change in this individual is unknown; Located in an intronic region where another pathogenic variant (c.228-(20_21)delTTinsC) has been reported in the Human Gene Mutation Database in association with leukoencephalopathy with brainstem and spinal cord involvement, supporting the functional importance of this region of the protein; This variant is associated with the following publications: (PMID: 17384640, 24566671, 24077912)

Literature cited by the submitters: PubMed 24566671 (cited by Labcorp Genetics (formerly Invitae), Labcorp).

NM_018122.5(DARS2):c.228-21_228-20delinsCC

Gene: DARS2 (aspartyl-tRNA synthetase 2, mitochondrial; plus strand). Cytogenetic location: 1q25.1.
Variant type: Indel.
Coding change: c.228-21_228-20delinsCC on transcript NM_018122.5 (MANE Select); 21 bases into the intron before coding-DNA position 228 through 20 bases into the intron before coding-DNA position 228, TT replaced by CC.
Molecular consequence: intron variant.
Genome position (GRCh38, 1-based): chr1:173,828,312-173,828,313, TT replaced by CC. VCF-style: chr1-173828312-TT-CC. GRCh37 (hg19) VCF-style: chr1-173797450-TT-CC.
Other names: c.228-21_228-20delinsCC (NM_001365212.1, NM_001365213.2).
Identifiers: ClinVar variation 2499836 (VCV002499836.4), dbSNP rs2525839049, ClinGen allele CA2580061379.